The following is an entry in ClinVar:

NM_005909.5(MAP1B):c.6250C>T (p.Leu2084Phe)

Gene: MAP1B (microtubule associated protein 1B; plus strand). Cytogenetic location: 5q13.2.
Variant type: single nucleotide variant.
Coding change: c.6250C>T on transcript NM_005909.5 (MANE Select); coding-DNA position 6250, C replaced by T.
Protein change: p.Leu2084Phe; replaces leucine 2084 with phenylalanine.
Molecular consequence: missense variant.
Genome position (GRCh38, 1-based): chr5:72,199,605, C>T. VCF-style: chr5-72199605-C-T. GRCh37 (hg19) VCF-style: chr5-71495432-C-T.
Other names: c.5872C>T, p.Leu1958Phe (NM_001324255.2); short protein forms L2084F, L1958F.
Identifiers: ClinVar variation 4996642 (VCV004996642.1).

ClinVar aggregate classification (germline): Uncertain significance (1 of 4 stars; one submission).

Conditions:
MAP1B-related disorder. Also called: MAP1B-related condition.

gnomAD v4.1: 1 of 1,614,180 alleles (0.000062%); highest among the groups gnomAD compares: Non-Finnish European, 0.000085%; no homozygotes.

Submission:

PreventionGenetics, part of Exact Sciences
Classification: Uncertain significance for MAP1B-related condition. Last evaluated: 2026-08-26. Review status: criteria provided, single submitter. Criteria: ACMG Guidelines, 2015. Collection method: clinical testing. Allele origin: germline.
Comment: The MAP1B c.6250C>T variant is predicted to result in the amino acid substitution p.Leu2084Phe. To our knowledge, this variant has not been reported in the literature or in a large population database (gnomAD), indicating this variant is rare. At this time, the clinical significance of this variant is uncertain due to the absence of conclusive functional and genetic evidence.